The following is an entry in ClinVar:

NM_004168.4(SDHA):c.1909-8_1909-4del

Gene: SDHA (succinate dehydrogenase complex flavoprotein subunit A; plus strand). Cytogenetic location: 5p15.33.
Variant type: Deletion.
Coding change: c.1909-8_1909-4del on transcript NM_004168.4 (MANE Select); 8 bases into the intron before coding-DNA position 1909 through 4 bases into the intron before coding-DNA position 1909, 5 bases deleted (TTTTC; older notation c.1909-8_1909-4delTTTTC).
Molecular consequence: intron variant.
Genome position (GRCh38, 1-based): chr5:256,326-256,330, TTTTC deleted; deleting any 5 consecutive bases within chr5:256,323-256,330 gives the same sequence; the c. name uses the placement nearest the transcript's 3' end. VCF-style (leftmost placement, unchanged base first): chr5-256322-CTTCTT-C. GRCh37 (hg19) VCF-style: chr5-256437-CTTCTT-C.
Other names: c.1666-8_1666-4del (NM_001330758.2); c.1765-8_1765-4del (NM_001294332.2).
Identifiers: ClinVar variation 964630 (VCV000964630.10), dbSNP rs1737179400, ClinGen allele CA1139658733.

ClinVar aggregate classification (germline): Uncertain significance (1 of 4 stars; one submission).

Conditions:
Mitochondrial complex II deficiency, nuclear type 1. Also called: SUCCINATE CoQ REDUCTASE DEFICIENCY. Identifiers: Orphanet 3208, MedGen C5700310, MONDO:0100294, OMIM 252011.
Pheochromocytoma/paraganglioma syndrome 5. Also called: Paragangliomas 5; SDHA-Related Hereditary Paraganglioma-Pheochromocytoma Syndrome. Identifiers: Orphanet 29072, MedGen C3279992, MONDO:0013602, OMIM 614165.

Submission:

Labcorp Genetics (formerly Invitae), Labcorp
Classification: Uncertain significance for Pheochromocytoma/paraganglioma syndrome 5; Mitochondrial complex II deficiency, nuclear type 1. Last evaluated: 2019-10-23. Review status: criteria provided, single submitter. Criteria: Invitae Variant Classification Sherloc (09022015). Collection method: clinical testing. Allele origin: germline.
Comment: In summary, the available evidence is currently insufficient to determine the role of this variant in disease. Therefore, it has been classified as a Variant of Uncertain Significance. This sequence change falls in intron 14 of the SDHA gene. It does not directly change the encoded amino acid sequence of the SDHA protein. This variant is not present in population databases (ExAC no frequency). This variant has not been reported in the literature in individuals with SDHA-related conditions. Algorithms developed to predict the effect of sequence changes on RNA splicing suggest that this variant may disrupt the consensus splice site, but this prediction has not been confirmed by published transcriptional studies.